The following is an entry in ClinVar:

ClinVar aggregate classification (germline): Uncertain significance (1 of 4 stars; one submission).

Conditions:
Hypertrophic cardiomyopathy. Also called: HYPERTROPHIC MYOCARDIOPATHY. Identifiers: Orphanet 217569, MedGen C0007194, MeSH D002312, MONDO:0005045, HP:0001639.

gnomAD v4.1: 5 of 1,613,906 alleles (0.00031%); highest among the groups gnomAD compares: South Asian, 0.0022%; no homozygotes.

Submission:

Labcorp Genetics (formerly Invitae), Labcorp
Classification: Uncertain significance for Hypertrophic cardiomyopathy. Last evaluated: 2025-01-22. Review status: criteria provided, single submitter. Criteria: Invitae Variant Classification Sherloc (09022015). Collection method: clinical testing. Allele origin: germline.
Comment: This sequence change replaces proline, which is neutral and non-polar, with leucine, which is neutral and non-polar, at codon 702 of the MYBPC3 protein (p.Pro702Leu). This variant is present in population databases (no rsID available, gnomAD 0.003%). This variant has not been reported in the literature in individuals affected with MYBPC3-related conditions. An algorithm developed to predict the effect of missense changes on protein structure and function (PolyPhen-2) suggests that this variant is likely to be tolerated. In summary, the available evidence is currently insufficient to determine the role of this variant in disease. Therefore, it has been classified as a Variant of Uncertain Significance.

NM_000256.3(MYBPC3):c.2105C>T (p.Pro702Leu)

Gene: MYBPC3 (myosin binding protein C3; minus strand). Cytogenetic location: 11p11.2.
Variant type: single nucleotide variant.
Coding change: c.2105C>T on transcript NM_000256.3 (MANE Select); coding-DNA position 2105, C replaced by T.
Protein change: p.Pro702Leu; replaces proline 702 with leucine.
Molecular consequence: missense variant.
Genome position (GRCh38, 1-based): chr11:47,339,367, G>A on the plus strand (C>T on the coding strand, the complement: MYBPC3 is on the minus strand). VCF-style: chr11-47339367-G-A. GRCh37 (hg19) VCF-style: chr11-47360918-G-A.
Other names: short protein forms P702L.
Identifiers: ClinVar variation 3615885 (VCV003615885.2).